The following is an entry in ClinVar:

NM_000059.4(BRCA2):c.4767A>G (p.Pro1589=)

Gene: BRCA2 (BRCA2 DNA repair associated; plus strand). Cytogenetic location: 13q13.1.
Variant type: single nucleotide variant.
Coding change: c.4767A>G on transcript NM_000059.4 (MANE Select); coding-DNA position 4767, A replaced by G.
Protein change: p.Pro1589=; no amino-acid change (proline 1589 retained).
Molecular consequence: synonymous variant.
Genome position (GRCh38, 1-based): chr13:32,339,122, A>G. VCF-style: chr13-32339122-A-G. GRCh37 (hg19) VCF-style: chr13-32913259-A-G.
Identifiers: ClinVar variation 185254 (VCV000185254.38), dbSNP rs755818549, ClinGen allele CA020811.
Genomic context (GRCh38, chr13:32,339,122, plus strand): 5'-CAGAGAGGCCTGTAAAGACCTTGAATTAGCATGTGAGACCATTGAGATCACAGCTGCCCC[A>G]AAGTGTAAAGAAATGCAGAATTCTCTCAATAATGATAAAAACCTTGTTTCTATTGAGACT-3'
Protein context (NP_000050.3, residues 1579-1599): ACETIEITAA[Pro1589=]KCKEMQNSLN

ClinVar aggregate classification (germline): Likely benign. Review status: reviewed by expert panel (3 of 4 stars). 11 submissions from 11 submitters: Likely benign (1). 10 of the submissions do not count toward it. Last evaluated 2017-06-29.

Conditions:
Hereditary cancer-predisposing syndrome. Also called: Tumor predisposition; Hereditary Cancer Syndrome; Hereditary neoplastic syndrome; Neoplastic Syndromes, Hereditary. Identifiers: Orphanet 140162, MedGen C0027672, MeSH D009386, MONDO:0015356.
Hereditary breast ovarian cancer syndrome. Also called: Breast and ovarian cancer; Hereditary breast and ovarian cancer syndrome; Hereditary breast and ovarian cancer; BRCA1- and BRCA2-Associated Hereditary Breast and Ovarian Cancer; Hereditary breast and ovarian cancer syndrome (HBOC); Hereditary breast and/or ovarian cancer syndrome. Identifiers: Orphanet 145, MedGen C0677776, MeSH D061325, MONDO:0003582. Disease mechanism: loss of function.
Breast-ovarian cancer, familial, susceptibility to, 2 (BROVCA2). Also called: BRCA2 Hereditary Breast and Ovarian Cancer. Identifiers: Orphanet 145, MedGen C2675520, MONDO:0012933, OMIM 612555. Disease mechanism: loss of function.

Allele frequency attached by ClinVar (database versions not stated): gnomAD exomes below 0.00001 and 0.00001; gnomAD 0.00002; TOPMed 0.00002.
gnomAD v4.1: 23 of 1,613,908 alleles (0.0014%); highest among the groups gnomAD compares: Non-Finnish European, 0.0016%; no homozygotes.

Submissions (11):

Evidence-based Network for the Interpretation of Germline Mutant Alleles (ENIGMA)
Classification: Likely benign for Breast-ovarian cancer, familial, susceptibility to, 2. Last evaluated: 2017-06-29. Review status: reviewed by expert panel. Criteria: ENIGMA BRCA1/2 Classification Criteria (2017-06-29). Collection method: curation. Allele origin: germline.
Comment: Synonymous substitution variant, with low bioinformatic likelihood to result in a splicing aberration (Splicing prior probability 0.02).

Labcorp Genetics (formerly Invitae), Labcorp
Classification: Likely benign for Hereditary breast ovarian cancer syndrome. Last evaluated: 2025-10-23. Review status: criteria provided, single submitter. Criteria: Invitae Variant Classification Sherloc (09022015). Collection method: clinical testing. Allele origin: germline. Not counted in ClinVar's aggregate classification.

Quest Diagnostics Nichols Institute San Juan Capistrano
Classification: Likely benign. Last evaluated: 2025-07-23. Review status: criteria provided, single submitter. Criteria: Quest Diagnostics criteria. Collection method: clinical testing. Allele origin: unknown. Not counted in ClinVar's aggregate classification.

Molecular Diagnostics Laboratory, Catalan Institute of Oncology
Classification: Likely benign for Hereditary cancer-predisposing syndrome. Last evaluated: 2025-06-03. Review status: criteria provided, single submitter. Criteria: ClinGen BRCA1BRCA2 ACMG Specifications BRCA2 V1.0.0. Collection method: clinical testing. Allele origin: germline. Not counted in ClinVar's aggregate classification.
Comment: BP1_Strong c.1395A>C, located in exon 11 of the BRCA2 gene, is predicted to result in no amino acid change, p.(Pro1589=). This position is outside a (potentially) clinically important functional domain and, moreover, the SpliceAI algorithm predicts no significant impact on splicing (BP1_strong). This variant is found in 1/267857 alleles at a frequency of 0.0004% in the gnomAD v2.1.1 database, non-cancer dataset. To our knowledge, neither relevant clinical data nor well-stablished functional studies have been reported for this variant.\n In addition, the variant has been identified in the ClinVar database (10x likely benign) and BRCA Exchange database (Likely benign: Synonymous substitution variant, with low bioinformatic likelihood to result in a splicing aberration), but it is not present in the LOVD database. Based on the currently available information, c.4767A>G is classified as a likely benign variant according to ClinGen-BRCA2 Guidelines version 1.0.0.

Center for Genomic Medicine, Rigshospitalet, Copenhagen University Hospital
Classification: Likely benign. Last evaluated: 2025-03-04. Review status: criteria provided, single submitter. Criteria: ACMG Guidelines, 2015. Collection method: clinical testing. Allele origin: germline. Not counted in ClinVar's aggregate classification.

All of Us Research Program, National Institutes of Health
Classification: Likely benign for Breast-ovarian cancer, familial, susceptibility to, 2. Last evaluated: 2023-12-13. Review status: criteria provided, single submitter. Criteria: ACMG Guidelines, 2015. Collection method: clinical testing. Allele origin: germline. Inheritance: Autosomal dominant inheritance. Observed: 7 variant alleles, 7 heterozygotes. Not counted in ClinVar's aggregate classification.
Comment: This study involves interpretation of variants in research participants for the purpose of population health screening. Participant phenotype was not available at the time of variant classification. Additional details can be found in publication PMID: 35346344, PMCID: PMC8962531

Sema4
Classification: Likely benign for Hereditary cancer-predisposing syndrome. Last evaluated: 2021-11-30. Review status: criteria provided, single submitter. Criteria: Sema4 Curation Guidelines. Collection method: curation. Allele origin: germline. Not counted in ClinVar's aggregate classification.

GeneDx
Classification: Likely benign. Last evaluated: 2021-05-21. Review status: criteria provided, single submitter. Criteria: GeneDx Variant Classification Process June 2021. Collection method: clinical testing. Allele origin: germline. Affected: yes. Not counted in ClinVar's aggregate classification.
Comment: This variant is associated with the following publications: (PMID: 20104584)

Women's Health and Genetics/Laboratory Corporation of America, LabCorp
Classification: Likely benign. Last evaluated: 2020-11-14. Review status: criteria provided, single submitter. Criteria: LabCorp Variant Classification Summary - May 2015. Collection method: clinical testing. Allele origin: germline. Not counted in ClinVar's aggregate classification.

Color Diagnostics, LLC DBA Color Health
Classification: Likely benign for Hereditary cancer-predisposing syndrome. Last evaluated: 2016-12-19. Review status: criteria provided, single submitter. Criteria: ACMG Guidelines, 2015. Collection method: clinical testing. Allele origin: germline. Not counted in ClinVar's aggregate classification.

Ambry Genetics
Classification: Likely benign for Hereditary cancer-predisposing syndrome. Last evaluated: 2014-05-27. Review status: criteria provided, single submitter. Criteria: Ambry Variant Classification Scheme 2023. Collection method: clinical testing. Allele origin: germline. Not counted in ClinVar's aggregate classification.

Literature cited by the submitters: PubMed 32486089 (cited by Quest Diagnostics Nichols Institute San Juan Capistrano); PubMed 20104584 (cited by Quest Diagnostics Nichols Institute San Juan Capistrano and Women's Health and Genetics/Laboratory Corporation of America, LabCorp).